The following is an entry in ClinVar:

ClinVar aggregate classification (germline): Uncertain significance (1 of 4 stars; one submission).

Submissions (2):

Dasa
Classification: Uncertain significance. Last evaluated: 2025-08-11. Review status: criteria provided, single submitter. Criteria: DASA Assertion Criteria. Collection method: clinical testing. Allele origin: germline.
Comment: NM_000252.3(MTM1):c.938A>G (p.Asn313Ser) is a missense variant that results in the substitution of asparagine with serine. This variant is absent from population databases. Computational prediction algorithms are consistent with a deleterious effect. The currently available literature and clinical evidence are not sufficient to establish a definitive association between this variant and the reported condition. Therefore, this variant is classified as a variant of uncertain significance.

Dr. Peter K. Rogan Lab, Western University
No classification provided (evidence only). Condition: Nonpapillary renal cell carcinoma. Review status: no classification provided. Collection method: in vitro. Allele origin: not applicable. Functional consequence: retained intron. Not counted in ClinVar's aggregate classification.

NM_000252.3(MTM1):c.938A>G (p.Asn313Ser)

Gene: MTM1 (myotubularin 1; plus strand). Cytogenetic location: Xq28.
Variant type: single nucleotide variant.
Coding change: c.938A>G on transcript NM_000252.3 (MANE Select); coding-DNA position 938, A replaced by G.
Protein change: p.Asn313Ser; replaces asparagine 313 with serine.
Molecular consequence: missense variant.
Genome position (GRCh38, 1-based): chrX:150,649,786, A>G. VCF-style: chrX-150649786-A-G. GRCh37 (hg19) VCF-style: chrX-149818259-A-G.
Other names: NC_000023.10:g.149818259A>G; c.827A>G, p.Asn276Ser (NM_001376907.1); c.938A>G, p.Asn313Ser (NM_001376908.1, NM_001376906.1); short protein forms N276S, N313S.
Identifiers: ClinVar variation 4475873 (VCV004475873.3).